The following is an entry in ClinVar:

ClinVar aggregate classification (germline): Uncertain significance (1 of 4 stars; one submission).

Conditions:
Cardiovascular phenotype. Identifiers: MedGen CN230736.

gnomAD v4.1: 3 of 1,614,146 alleles (0.00019%); highest among the groups gnomAD compares: Non-Finnish European, 0.00017%; no homozygotes.

Submission:

Ambry Genetics
Classification: Uncertain significance for Cardiovascular phenotype. Last evaluated: 2025-03-23. Review status: criteria provided, single submitter. Criteria: Ambry Variant Classification Scheme 2023. Collection method: clinical testing. Allele origin: germline.
Comment: The p.H287Q variant (also known as c.861C>G), located in coding exon 6 of the LCAT gene, results from a C to G substitution at nucleotide position 861. The histidine at codon 287 is replaced by glutamine, an amino acid with highly similar properties. This amino acid position is conserved. In addition, the in silico prediction for this alteration is inconclusive. Based on the available evidence, the clinical significance of this variant remains unclear.

NM_000229.2(LCAT):c.861C>G (p.His287Gln)

Gene: LCAT (lecithin-cholesterol acyltransferase; minus strand). Cytogenetic location: 16q22.1.
Variant type: single nucleotide variant.
Coding change: c.861C>G on transcript NM_000229.2 (MANE Select); coding-DNA position 861, C replaced by G.
Protein change: p.His287Gln; replaces histidine 287 with glutamine.
Molecular consequence: missense variant.
Genome position (GRCh38, 1-based): chr16:67,940,366, G>C on the plus strand (C>G on the coding strand, the complement: LCAT is on the minus strand). VCF-style: chr16-67940366-G-C. GRCh37 (hg19) VCF-style: chr16-67974269-G-C.
Other names: short protein forms H287Q.
Identifiers: ClinVar variation 4046464 (VCV004046464.1).